The following is an entry in ClinVar:

ClinVar aggregate classification (germline): Pathogenic (1 of 4 stars; one submission).

Conditions:
Ehlers-Danlos syndrome, type 4 (EDSVASC). Also called: Ehlers-Danlos syndrome vascular type; Ehlers Danlos syndrome, ecchymotic type; Ehlers Danlos syndrome, arterial type; Ehlers Danlos syndrome, Sack-Barabas type; Ehlers-Danlos Syndrome Type IV. Identifiers: Orphanet 286, MedGen C0268338, MONDO:0017314, OMIM 130050.

Submission:

Labcorp Genetics (formerly Invitae), Labcorp
Classification: Pathogenic for Ehlers-Danlos syndrome, type 4. Last evaluated: 2021-05-09. Review status: criteria provided, single submitter. Criteria: Invitae Variant Classification Sherloc (09022015). Collection method: clinical testing. Allele origin: germline.
Comment: For these reasons, this variant has been classified as Pathogenic. This variant disrupts the p.Gly693 amino acid residue in COL3A1. Other variant(s) that disrupt this residue have been observed in individuals with COL3A1-related conditions (PMID: 22019127, Invitae), which suggests that this may be a clinically significant amino acid residue. This variant disrupts the triple helix domain of COL3A1. Glycine residues within the Gly-Xaa-Yaa repeats of the triple helix domain are required for the structure and stability of fibrillar collagens (PMID: 7695699, 8218237, 19344236). In COL3A1, variants that affect these glycine residues are significantly enriched in individuals with disease (PMID: 24922459, 25758994) compared to the general population (ExAC). Advanced modeling of protein sequence and biophysical properties (such as structural, functional, and spatial information, amino acid conservation, physicochemical variation, residue mobility, and thermodynamic stability) performed at Invitae indicates that this missense variant is expected to disrupt COL3A1 protein function. This variant has been observed in individual(s) with clinical features of vascular Ehlers Danlos syndrome (Invitae). This variant is not present in population databases (ExAC no frequency). This sequence change replaces glycine with valine at codon 693 of the COL3A1 protein (p.Gly693Val). The glycine residue is highly conserved and there is a moderate physicochemical difference between glycine and valine.

Literature cited by the submitters: PubMed 22019127; PubMed 7695699; PubMed 8218237; PubMed 19344236; PubMed 24922459; PubMed 25758994.

NM_000090.4(COL3A1):c.2078G>T (p.Gly693Val)

Gene: COL3A1 (collagen type III alpha 1 chain; plus strand). Cytogenetic location: 2q32.2.
Variant type: single nucleotide variant.
Coding change: c.2078G>T on transcript NM_000090.4 (MANE Select); coding-DNA position 2078, G replaced by T.
Protein change: p.Gly693Val; replaces glycine 693 with valine.
Molecular consequence: missense variant.
Genome position (GRCh38, 1-based): chr2:188,999,340, G>T. VCF-style: chr2-188999340-G-T. GRCh37 (hg19) VCF-style: chr2-189864066-G-T.
Other names: short protein forms G693V.
Identifiers: ClinVar variation 1384868 (VCV001384868.8), dbSNP rs587779442, ClinGen allele CA349840149.